The following is an entry in ClinVar:

NM_000179.3(MSH6):c.1069G>C (p.Asp357His)

Gene: MSH6 (mutS homolog 6; plus strand). Cytogenetic location: 2p16.3.
Variant type: single nucleotide variant.
Coding change: c.1069G>C on transcript NM_000179.3 (MANE Select); coding-DNA position 1069, G replaced by C.
Protein change: p.Asp357His; replaces aspartic acid 357 with histidine.
Molecular consequence: missense variant.
Genome position (GRCh38, 1-based): chr2:47,799,052, G>C. VCF-style: chr2-47799052-G-C. GRCh37 (hg19) VCF-style: chr2-48026191-G-C.
Other names: c.679G>C, p.Asp227His (NM_001281492.2); c.163G>C, p.Asp55His (NM_001281493.2, NM_001281494.2); short protein forms D357H, D227H, D55H.
Identifiers: ClinVar variation 423521 (VCV000423521.2), dbSNP rs771529531, ClinGen allele CA16617641.

ClinVar aggregate classification (germline): Uncertain significance (1 of 4 stars; one submission).

Submission:

GeneDx
Classification: Uncertain significance. Last evaluated: 2017-02-16. Review status: criteria provided, single submitter. Criteria: GeneDx Variant Classification (06012015). Collection method: clinical testing. Allele origin: germline. Affected: yes.
Comment: This variant is denoted MSH6 c.1069G>C at the cDNA level, p.Asp357His (D357H) at the protein level, and results in the change of an Aspartic Acid to a Histidine (GAT>CAT). This variant has not, to our knowledge, been published in the literature as pathogenic or benign. MSH6 Asp357His was not observed in approximately 6,500 individuals of European and African American ancestry in the NHLBI Exome Sequencing Project, suggesting it is not a common benign variant in these populations. Since Aspartic Acid and Histidine differ in polarity, charge, size or other properties, this is considered a non-conservative amino acid substitution. MSH6 Asp357His occurs at a position that is not conserved and is located in the Nuclear localization signal (Gassman 2011). In silico analyses are inconsistent regarding the effect this variant may have on protein structure and function. Based on currently available evidence, it is unclear whether MSH6 Asp357His is a pathogenic or benign variant. We consider it to be a variant of uncertain significance.